The following is an entry in ClinVar:

ClinVar aggregate classification (germline): Uncertain significance. Review status: criteria provided, multiple submitters, no conflicts (2 of 4 stars). 2 submissions from 2 submitters: Uncertain significance (2). Last evaluated 2024-05-02.

Submissions (2):

GeneDx
Classification: Uncertain significance. Last evaluated: 2024-05-02. Review status: criteria provided, single submitter. Criteria: GeneDx Variant Classification Process June 2021. Collection method: clinical testing. Allele origin: germline. Affected: yes.
Comment: Not observed at significant frequency in large population cohorts (gnomAD); In silico analysis supports that this missense variant has a deleterious effect on protein structure/function; Has not been previously published as pathogenic or benign to our knowledge

Labcorp Genetics (formerly Invitae), Labcorp
Classification: Uncertain significance. Last evaluated: 2023-03-13. Review status: criteria provided, single submitter. Criteria: Invitae Variant Classification Sherloc (09022015). Collection method: clinical testing. Allele origin: germline.
Comment: In summary, the available evidence is currently insufficient to determine the role of this variant in disease. Therefore, it has been classified as a Variant of Uncertain Significance. Advanced modeling of protein sequence and biophysical properties (such as structural, functional, and spatial information, amino acid conservation, physicochemical variation, residue mobility, and thermodynamic stability) performed at Invitae indicates that this missense variant is not expected to disrupt COL11A1 protein function. This variant has not been reported in the literature in individuals affected with COL11A1-related conditions. This variant is not present in population databases (gnomAD no frequency). This sequence change replaces proline, which is neutral and non-polar, with leucine, which is neutral and non-polar, at codon 920 of the COL11A1 protein (p.Pro920Leu).

NM_001854.4(COL11A1):c.2759C>T (p.Pro920Leu)

Gene: COL11A1 (collagen type XI alpha 1 chain; minus strand). Cytogenetic location: 1p21.1.
Variant type: single nucleotide variant.
Coding change: c.2759C>T on transcript NM_001854.4 (MANE Select); coding-DNA position 2759, C replaced by T.
Protein change: p.Pro920Leu; replaces proline 920 with leucine.
Molecular consequence: missense variant. On other transcripts: non-coding transcript variant (1).
Genome position (GRCh38, 1-based): chr1:102,974,879, G>A on the plus strand (C>T on the coding strand, the complement: COL11A1 is on the minus strand). VCF-style: chr1-102974879-G-A. GRCh37 (hg19) VCF-style: chr1-103440435-G-A.
Other names: c.2411C>T, p.Pro804Leu (NM_080630.4, NM_001168249.1); c.2642C>T, p.Pro881Leu (NM_001190709.2); c.2795C>T, p.Pro932Leu (NM_080629.3); c.2759C>T (NM_001854.3); short protein forms P881L, P920L, P932L, P804L.
Identifiers: ClinVar variation 2845410 (VCV002845410.4), dbSNP rs751341336, ClinGen allele CA341162225.